The following is an entry in ClinVar:

NM_000179.3(MSH6):c.3493T>C (p.Cys1165Arg)

Gene: MSH6 (mutS homolog 6; plus strand). Cytogenetic location: 2p16.3.
Variant type: single nucleotide variant.
Coding change: c.3493T>C on transcript NM_000179.3 (MANE Select); coding-DNA position 3493, T replaced by C.
Protein change: p.Cys1165Arg; replaces cysteine 1165 with arginine.
Molecular consequence: missense variant.
Genome position (GRCh38, 1-based): chr2:47,804,964, T>C. VCF-style: chr2-47804964-T-C. GRCh37 (hg19) VCF-style: chr2-48032103-T-C.
Other names: c.3103T>C, p.Cys1035Arg (NM_001281492.2); c.2587T>C, p.Cys863Arg (NM_001281493.2, NM_001281494.2); short protein forms C1035R, C1165R, C863R.
Identifiers: ClinVar variation 1024821 (VCV001024821.13), dbSNP rs1669872142, ClinGen allele CA346760152.
Genomic context (GRCh38, chr2:47,804,964, plus strand): 5'-TCACAGGCTGGCTTATTAGCTGTAATGGCCCAGATGGGTTGTTACGTCCCTGCTGAAGTG[T>C]GCAGGCTCACACCAATTGATAGAGTGTTTACTAGACTTGGTGCCTCAGACAGAATAATGT-3'
Protein context (NP_000170.1, residues 1155-1175): QMGCYVPAEV[Cys1165Arg]RLTPIDRVFT

ClinVar aggregate classification (germline): Conflicting classifications of pathogenicity. Review status: criteria provided, conflicting classifications (1 of 4 stars). 3 submissions from 3 submitters: Likely pathogenic (2); Uncertain significance (1). Last evaluated 2025-12-29.

Conditions:
Lynch syndrome 5 (LYNCH5). Also called: Colorectal cancer, hereditary nonpolyposis, type 5; Hereditary non-polyposis colorectal cancer, type 5. Identifiers: Orphanet 144, MedGen C1833477, MONDO:0013710, OMIM 614350. Disease mechanism: loss of function.
Hereditary nonpolyposis colorectal neoplasms. Identifiers: MedGen C0009405, MeSH D003123.
Hereditary cancer-predisposing syndrome. Also called: Hereditary Cancer Syndrome; Neoplastic Syndromes, Hereditary; Tumor predisposition; Hereditary neoplastic syndrome. Identifiers: Orphanet 140162, MedGen C0027672, MeSH D009386, MONDO:0015356.

Submissions (3):

Ambry Genetics
Classification: Likely pathogenic for Hereditary cancer-predisposing syndrome. Last evaluated: 2025-12-29. Review status: criteria provided, single submitter. Criteria: Ambry Variant Classification Scheme 2023. Collection method: clinical testing. Allele origin: germline.
Comment: The p.C1165R variant (also known as c.3493T>C), located in coding exon 6 of the MSH6 gene, results from a T to C substitution at nucleotide position 3493. The cysteine at codon 1165 is replaced by arginine, an amino acid with highly dissimilar properties. This alteration has been reported as functionally defective based on results from a complementation assay performed in mammalian cells (Drost M et al. Genet. Med., 2020 May;22:847-856). In addition, this alteration has been observed in at least one individual with a personal and/or family history that is consistent with Lynch syndrome (Ambry internal data). Based on internal structural analysis, this variant is anticipated to result in a significant decrease in structural stability (Ambry internal data). This amino acid position is well conserved in available vertebrate species. In addition, this alteration is predicted to be deleterious by in silico analysis. This variant is considered to be rare based on population cohorts in the Genome Aggregation Database (gnomAD). Based on the majority of available evidence to date, this variant is likely to be pathogenic.

Myriad Genetics, Inc.
Classification: Likely pathogenic for Lynch syndrome 5. Last evaluated: 2023-08-24. Review status: criteria provided, single submitter. Criteria: Myriad Autosomal Dominant, Autosomal Recessive and X-Linked Classification Criteria (2023). Collection method: clinical testing. Allele origin: unknown.
Comment: This variant is considered likely pathogenic. Functional studies indicate this variant impacts protein function [PMID: 31965077]. This variant is expected to disrupt protein structure [Myriad internal data].

Labcorp Genetics (formerly Invitae), Labcorp
Classification: Uncertain significance for Hereditary nonpolyposis colorectal neoplasms. Last evaluated: 2020-10-08. Review status: criteria provided, single submitter. Criteria: Invitae Variant Classification Sherloc (09022015). Collection method: clinical testing. Allele origin: germline.
Comment: In summary, the available evidence is currently insufficient to determine the role of this variant in disease. Therefore, it has been classified as a Variant of Uncertain Significance. Advanced modeling of protein sequence and biophysical properties (such as structural, functional, and spatial information, amino acid conservation, physicochemical variation, residue mobility, and thermodynamic stability) performed at Invitae indicates that this missense variant is expected to disrupt MSH6 protein function. This variant has not been reported in the literature in individuals with MSH6-related conditions. This variant is not present in population databases (ExAC no frequency). This sequence change replaces cysteine with arginine at codon 1165 of the MSH6 protein (p.Cys1165Arg). The cysteine residue is highly conserved and there is a large physicochemical difference between cysteine and arginine.

Literature cited by the submitters: PubMed 31965077 (cited by Ambry Genetics and Myriad Genetics, Inc.).